The following is an entry in ClinVar:

NM_153240.5(NPHP3):c.2437A>T (p.Thr813Ser)

Genes: NPHP3 (nephrocystin 3; minus strand), NPHP3-ACAD11 (NPHP3-ACAD11 readthrough (NMD candidate); minus strand). Cytogenetic location: 3q22.1.
Variant type: single nucleotide variant.
Coding change: c.2437A>T on transcript NM_153240.5 (MANE Select); coding-DNA position 2437, A replaced by T.
Protein change: p.Thr813Ser; replaces threonine 813 with serine.
Molecular consequence: missense variant. On other transcripts: non-coding transcript variant (1).
Genome position (GRCh38, 1-based): chr3:132,692,692, T>A on the plus strand (A>T on the coding strand, the complement: NPHP3 is on the minus strand). VCF-style: chr3-132692692-T-A. GRCh37 (hg19) VCF-style: chr3-132411536-T-A.
Other names: short protein forms T813S.
Identifiers: ClinVar variation 1495007 (VCV001495007.8), dbSNP rs2107971625, ClinGen allele CA354581308.

ClinVar aggregate classification (germline): Uncertain significance (1 of 4 stars; one submission).

Conditions:
Nephronophthisis. Also called: Juvenile Nephronophthisis. Identifiers: Orphanet 655, MedGen C0687120, MONDO:0019005, HP:0000090.

Submission:

Labcorp Genetics (formerly Invitae), Labcorp
Classification: Uncertain significance for Nephronophthisis. Last evaluated: 2022-10-17. Review status: criteria provided, single submitter. Criteria: Invitae Variant Classification Sherloc (09022015). Collection method: clinical testing. Allele origin: germline.
Comment: In summary, the available evidence is currently insufficient to determine the role of this variant in disease. Therefore, it has been classified as a Variant of Uncertain Significance. Advanced modeling of protein sequence and biophysical properties (such as structural, functional, and spatial information, amino acid conservation, physicochemical variation, residue mobility, and thermodynamic stability) performed at Invitae indicates that this missense variant is not expected to disrupt NPHP3 protein function. ClinVar contains an entry for this variant (Variation ID: 1495007). This variant has not been reported in the literature in individuals affected with NPHP3-related conditions. This variant is not present in population databases (gnomAD no frequency). This sequence change replaces threonine, which is neutral and polar, with serine, which is neutral and polar, at codon 813 of the NPHP3 protein (p.Thr813Ser).